The following is an entry in ClinVar:

NM_000138.5(FBN1):c.3059C>G (p.Thr1020Arg)

Gene: FBN1 (fibrillin 1; minus strand). Cytogenetic location: 15q21.1.
Variant type: single nucleotide variant.
Coding change: c.3059C>G on transcript NM_000138.5 (MANE Select); coding-DNA position 3059, C replaced by G.
Protein change: p.Thr1020Arg; replaces threonine 1020 with arginine.
Molecular consequence: missense variant.
Genome position (GRCh38, 1-based): chr15:48,489,874, G>C on the plus strand (C>G on the coding strand, the complement: FBN1 is on the minus strand). VCF-style: chr15-48489874-G-C. GRCh37 (hg19) VCF-style: chr15-48782071-G-C.
Other names: short protein forms T1020R.
Identifiers: ClinVar variation 3386823 (VCV003386823.1), dbSNP rs2043542093.

ClinVar aggregate classification (germline): Uncertain significance (1 of 4 stars; one submission).

Conditions:
Marfan syndrome (MFS). Also called: MARFAN SYNDROME, TYPE I; Marfan syndrome type 1; Marfan's syndrome; FBN1-Related Marfan Syndrome; Marfan syndrome, classic. Identifiers: Orphanet 284963, Orphanet 558, MedGen C0024796, MONDO:0007947, OMIM 154700.

gnomAD v4.1: 1 of 1,614,126 alleles (0.000062%); highest among the groups gnomAD compares: Non-Finnish European, 0.000085%; no homozygotes.

Submission:

All of Us Research Program, National Institutes of Health
Classification: Uncertain significance for Marfan syndrome. Last evaluated: 2024-07-29. Review status: criteria provided, single submitter. Criteria: ACMG Guidelines, 2015. Collection method: clinical testing. Allele origin: germline. Inheritance: Autosomal dominant inheritance. Observed: 1 variant allele, 1 heterozygote.
Comment: This missense variant replaces threonine with arginine at codon 1020 of the FBN1 protein. Computational prediction suggests that this variant may not impact protein structure and function (internally defined REVEL score threshold <= 0.5, PMID: 27666373). To our knowledge, functional studies have not been reported for this variant. This variant has not been reported in individuals affected with FBN1-related disorders in the literature. This variant has not been identified in the general population by the Genome Aggregation Database (gnomAD). The available evidence is insufficient to determine the role of this variant in disease conclusively. Therefore, this variant is classified as a Variant of Uncertain Significance.

This study involves interpretation of variants in research participants for the purpose of population health screening. Participant phenotype was not available at the time of variant classification. Additional details can be found in publication PMID: 35346344, PMCID: PMC8962531